The following is an entry in ClinVar:

NM_001267550.2(TTN):c.67689del (p.Glu22564fs)

Genes: TTN-AS1 (TTN antisense RNA 1; plus strand), TTN (titin; minus strand), LOC126806423 (CDK7 strongly-dependent group 2 enhancer GRCh37_chr2:179443309-179444508; plus strand). Cytogenetic location: 2q31.2.
Variant type: Deletion.
Coding change: c.67689del on transcript NM_001267550.2 (MANE Select); coding-DNA position 67689, one base deleted (A; older notation c.67689delA).
Protein change: p.Glu22564fs; shifts the reading frame from glutamic acid 22564.
Molecular consequence: frameshift variant.
Genome position (GRCh38, 1-based): chr2:178,579,341, T deleted on the plus strand (A on the coding strand, the reverse complement: TTN is on the minus strand); the first of 3 consecutive T bases (chr2:178,579,341-178,579,343); deleting any one gives the same sequence. VCF-style (leftmost placement, unchanged base first): chr2-178579340-CT-C. GRCh37 (hg19) VCF-style: chr2-179444067-CT-C.
Other names: c.62766del, p.Glu20923fs (NM_001256850.1); c.40494del, p.Glu13499fs (NM_003319.4); c.59985del, p.Glu19996fs (NM_133378.4); c.40869del, p.Glu13624fs (NM_133432.3); c.41070del, p.Glu13691fs (NM_133437.4); short protein forms E13691fs, E19996fs, E13499fs, E20923fs, E13624fs, E22564fs.
Identifiers: ClinVar variation 4784901 (VCV004784901.1).
Genomic context (GRCh38, chr2:178,579,340, plus strand): 5'-AGGAGACTGATGGAGCTGGCTTGCCTTTTATGGGGATCTTAAGCCGGAAGTTGCTGTTTT[CT>C]TTAGCCAAGTAGCACAAATCAGGTAGACCCTTTAAGTCAAGATCAGGAGCCACTGTAAAA-3'

ClinVar aggregate classification (germline): Likely pathogenic (1 of 4 stars; one submission).

Conditions:
Autosomal recessive limb-girdle muscular dystrophy type 2J (LGMDR10). Also called: Limb-girdle muscular dystrophy, type 2J; MUSCULAR DYSTROPHY, LIMB-GIRDLE, AUTOSOMAL RECESSIVE 10. Identifiers: Orphanet 140922, MedGen C1837342, MONDO:0012127, OMIM 608807.
Dilated cardiomyopathy 1G (CMD1G). Identifiers: Orphanet 154, MedGen C1858763, MONDO:0011400, OMIM 604145.

Submission:

Labcorp Genetics (formerly Invitae), Labcorp
Classification: Likely pathogenic for Dilated cardiomyopathy 1G; Autosomal recessive limb-girdle muscular dystrophy type 2J. Last evaluated: 2025-06-09. Review status: criteria provided, single submitter. Criteria: Invitae Variant Classification Sherloc (09022015). Collection method: clinical testing. Allele origin: germline.
Comment: This sequence change creates a premature translational stop signal (p.Glu22564Lysfs*11) in the TTN gene. While this is not anticipated to result in nonsense mediated decay, it is expected to create a truncated TTN protein. This variant is not present in population databases (gnomAD no frequency). This variant has not been reported in the literature in individuals affected with TTN-related conditions. This variant is located in the A band of TTN (PMID: 25589632). Truncating variants in this region are significantly overrepresented in patients affected with dilated cardiomyopathy (PMID: 25589632). Truncating variants in this region have also been reported in individuals affected with autosomal recessive centronuclear myopathy (PMID: 23975875). In summary, the currently available evidence indicates that the variant is pathogenic, but additional data are needed to prove that conclusively. Therefore, this variant has been classified as Likely Pathogenic.

Literature cited by the submitters: PubMed 25589632; PubMed 23975875.